The following is an entry in ClinVar:

NM_001267550.2(TTN):c.26528C>T (p.Thr8843Met)

Gene: TTN (titin; minus strand). Cytogenetic location: 2q31.2.
Variant type: single nucleotide variant.
Coding change: c.26528C>T on transcript NM_001267550.2 (MANE Select); coding-DNA position 26528, C replaced by T.
Protein change: p.Thr8843Met; replaces threonine 8843 with methionine.
Molecular consequence: missense variant. On other transcripts: intron variant (3).
Genome position (GRCh38, 1-based): chr2:178,714,130, G>A on the plus strand (C>T on the coding strand, the complement: TTN is on the minus strand). VCF-style: chr2-178714130-G-A. GRCh37 (hg19) VCF-style: chr2-179578857-G-A.
Other names: p.T8526M:ACG>ATG; c.25577C>T, p.Thr8526Met (NM_001256850.1); c.22796C>T, p.Thr7599Met (NM_133378.4); c.13282+23952C>T (NM_003319.4); c.13858+23952C>T (NM_133437.4); c.13657+23952C>T (NM_133432.3); short protein forms T8843M, T7599M, T8526M.
Identifiers: ClinVar variation 46782 (VCV000046782.57), dbSNP rs72648990, ClinGen allele CA139179.

ClinVar aggregate classification (germline): Conflicting classifications of pathogenicity. Review status: criteria provided, conflicting classifications (1 of 4 stars). 15 submissions from 15 submitters: Uncertain significance (7); Likely benign (8). Last evaluated 2026-10-01.

Conditions:
TTN-related disorder. Also called: TTN-related disorders; TTN-related condition; TTN-related disease.
Early-onset myopathy with fatal cardiomyopathy (CMYO5). Also called: CONGENITAL MYOPATHY 5 WITH CARDIOMYOPATHY; Salih Myopathy. Identifiers: Orphanet 289377, MedGen C2673677, MONDO:0012714, OMIM 611705. Disease mechanism: loss of function.
Autosomal recessive limb-girdle muscular dystrophy type 2J (LGMDR10). Also called: MUSCULAR DYSTROPHY, LIMB-GIRDLE, AUTOSOMAL RECESSIVE 10; Limb-girdle muscular dystrophy, type 2J. Identifiers: Orphanet 140922, MedGen C1837342, MONDO:0012127, OMIM 608807.
Hypertrophic cardiomyopathy 9. Also called: Familial hypertrophic cardiomyopathy 9. Identifiers: MedGen C1861065, MONDO:0013412, OMIM 613765.
Myopathy, myofibrillar, 9, with early respiratory failure (MFM9). Also called: Myopathy, distal, with early respiratory failure, autosomal dominant; Hereditary myopathy with early respiratory failure; EDSTROM MYOPATHY; MYOPATHY, PROXIMAL, WITH EARLY RESPIRATORY MUSCLE INVOLVEMENT. Identifiers: Orphanet 178464, Orphanet 34521, MedGen C1863599, MONDO:0011362, OMIM 603689.
Tibial muscular dystrophy (TMD). Also called: Tibial muscular dystrophy, tardive; Udd Distal Myopathy – Tibial Muscular Dystrophy; UDD MYOPATHY. Identifiers: Orphanet 609, MedGen C1838244, MONDO:0010870, OMIM 600334.
Dilated cardiomyopathy 1G (CMD1G). Identifiers: Orphanet 154, MedGen C1858763, MONDO:0011400, OMIM 604145.
Hypertrophic cardiomyopathy. Also called: HYPERTROPHIC MYOCARDIOPATHY. Identifiers: Orphanet 217569, MedGen C0007194, MeSH D002312, MONDO:0005045, HP:0001639.

Allele frequency attached by ClinVar (database versions not stated): gnomAD 0.00032 and 0.00029; ExAC 0.00035; TOPMed 0.00040; 1000 Genomes Project 30x 0.00016; ESP Exome Variant Server 0.00059.
gnomAD v4.1: 615 of 1,613,490 alleles (0.038%); highest among the groups gnomAD compares: Middle Eastern, 0.3%; 2 homozygotes.

Submissions (15):

CeGaT Center for Human Genetics Tuebingen
Classification: Likely benign. Last evaluated: 2026-10-01. Review status: criteria provided, single submitter. Criteria: CeGaT Center For Human Genetics Tuebingen Variant Classification Criteria Version 2. Collection method: clinical testing. Allele origin: germline. Affected: yes. Observed: 7 variant alleles.
Comment: TTN: BP4

PreventionGenetics, part of Exact Sciences
Classification: Likely benign for TTN-related condition. Last evaluated: 2025-07-22. Review status: criteria provided, single submitter. Criteria: ACMG Guidelines, 2015. Collection method: clinical testing. Allele origin: germline.
Comment: This variant is classified as likely benign based on ACMG/AMP sequence variant interpretation guidelines (Richards et al. 2015 PMID: 25741868, with internal and published modifications).

Molecular Diagnostic Laboratory for Inherited Cardiovascular Disease, Montreal Heart Institute
Classification: Likely benign. Last evaluated: 2025-04-09. Review status: criteria provided, single submitter. Criteria: ACMG Guidelines, 2015. Collection method: clinical testing. Allele origin: germline. Affected: no.

Blueprint Genetics
Classification: Likely benign. Last evaluated: 2024-06-14. Review status: criteria provided, single submitter. Criteria: ACMG Guidelines, 2015. Collection method: clinical testing. Allele origin: germline.

Revvity Omics, Revvity
Classification: Likely benign. Last evaluated: 2023-05-30. Review status: criteria provided, single submitter. Criteria: ACMG Guidelines, 2015. Collection method: clinical testing. Allele origin: germline.

Department of Pathology and Laboratory Medicine, Sinai Health System
Classification: Uncertain significance for Tibial muscular dystrophy; Myopathy, myofibrillar, 9, with early respiratory failure; Dilated cardiomyopathy 1G; Autosomal recessive limb-girdle muscular dystrophy type 2J; Early-onset myopathy with fatal cardiomyopathy; Hypertrophic cardiomyopathy 9. Last evaluated: 2023-01-25. Review status: criteria provided, single submitter. Criteria: ACMG Guidelines, 2015. Collection method: research. Allele origin: germline.

Women's Health and Genetics/Laboratory Corporation of America, LabCorp
Classification: Likely benign. Last evaluated: 2022-08-06. Review status: criteria provided, single submitter. Criteria: LabCorp Variant Classification Summary - May 2015. Collection method: clinical testing. Allele origin: germline.

ARUP Laboratories, Molecular Genetics and Genomics, ARUP Laboratories
Classification: Uncertain significance. Last evaluated: 2021-02-24. Review status: criteria provided, single submitter. Criteria: ARUP Molecular Germline Variant Investigation Process 2021. Collection method: clinical testing. Allele origin: germline.
Comment: The TTN c.26528C>T; p.Thr8843Met variant (rs72648990; ClinVar Variation ID: 46782) is rare in the general population (<0.2% allele frequency in the Genome Aggregation Database) and has not been reported in the medical literature in association with dilated cardiomyopathy (DCM) or other TTN-related disease. The clinical relevance of rare missense variants in this gene, which are identified on average once per individual sequenced in affected populations (Herman 2012), is not well understood. Yet, evidence suggests that the vast majority of such missense variants do not contribute to the clinical outcome of DCM (Begay 2015). Given the available evidence, the clinical significance of the p.Thr8843Met variant cannot be determined with certainty.

GeneDx
Classification: Likely benign. Last evaluated: 2021-02-22. Review status: criteria provided, single submitter. Criteria: GeneDx Variant Classification Process June 2021. Collection method: clinical testing. Allele origin: germline. Affected: yes.
Comment: This variant is associated with the following publications: (PMID: 24503780, 27066507)

Athena Diagnostics
Classification: Likely benign. Last evaluated: 2019-12-30. Review status: criteria provided, single submitter. Criteria: Athena Diagnostics Criteria. Collection method: clinical testing. Allele origin: unknown.

Genomic Research Center, Shahid Beheshti University of Medical Sciences
Classification: Uncertain significance for TTN-Related Disorders. Last evaluated: 2018-08-07. Review status: criteria provided, single submitter. Criteria: ACMG Guidelines, 2015. Collection method: clinical testing. Allele origin: inherited. Affected: no. Observed: 1 variant allele.

Eurofins Ntd Llc (ga)
Classification: Uncertain significance. Last evaluated: 2018-07-03. Review status: criteria provided, single submitter. Criteria: EGL ClinVar v180209 classification definitions. Collection method: clinical testing. Allele origin: germline. Observed: 7 variant alleles, 7 heterozygotes.

Labcorp Genetics (formerly Invitae), Labcorp
Classification: Uncertain significance for Dilated cardiomyopathy 1G; Autosomal recessive limb-girdle muscular dystrophy type 2J. Last evaluated: 2017-08-22. Review status: criteria provided, single submitter. Criteria: Invitae Variant Classification Sherloc (09022015). Collection method: clinical testing. Allele origin: germline.

Laboratory for Molecular Medicine, Mass General Brigham Personalized Medicine
Classification: Uncertain significance. Last evaluated: 2017-06-28. Review status: criteria provided, single submitter. Criteria: LMM Criteria. Collection method: clinical testing. Allele origin: germline. Observed: 6 variant alleles.
Comment: Variant classified as Uncertain Significance - Favor Benign. Additionally, this variant has been identified in 0.1% ( 38/34342) of Latino chromosomes by the Genome Aggregation Database (gnomAD; dbSNP rs72648990) and has been reported in ClinVa r (Variation ID: 46782). Threonine (Thr) at position 7599 is not conserved in ma mmals or evolutionarily distant species, and one mammal (white rhinoceros) carri es a methionine (Met) at this position, raising the possibility that this change may be tolerated. Additional computational prediction tools do not provide stro ng support for or against an impact to the protein. In summary, while the clinic al significance of the p.Thr7599Met variant is uncertain, its frequency and lack of conservation suggest that it is more likely to be benign.

Genetics and Genomics Program, Sidra Medicine
Classification: Uncertain significance for Hypertrophic cardiomyopathy. Review status: criteria provided, single submitter. Criteria: ACMG Guidelines, 2015. Collection method: research. Allele origin: unknown. Affected: yes. Observed: 1 variant allele.

Literature cited by the submitters: PubMed 27066507 (cited by Athena Diagnostics); PubMed 24503780 (cited by Athena Diagnostics and Laboratory for Molecular Medicine, Mass General Brigham Personalized Medicine).